The following is an entry in ClinVar:

NM_031885.5(BBS2):c.831G>A (p.Gly277=)

Gene: BBS2 (Bardet-Biedl syndrome 2; minus strand). Cytogenetic location: 16q13.
Variant type: single nucleotide variant.
Coding change: c.831G>A on transcript NM_031885.5 (MANE Select); coding-DNA position 831, G replaced by A.
Protein change: p.Gly277=; no amino-acid change (glycine 277 retained).
Molecular consequence: synonymous variant. On other transcripts: non-coding transcript variant (5).
Genome position (GRCh38, 1-based): chr16:56,502,782, C>T on the plus strand (G>A on the coding strand, the complement: BBS2 is on the minus strand). VCF-style: chr16-56502782-C-T. GRCh37 (hg19) VCF-style: chr16-56536694-C-T.
Other names: c.831G>A, p.Gly277= (NM_001377456.1).
Identifiers: ClinVar variation 766300 (VCV000766300.4), dbSNP rs1204202948, ClinGen allele CA495587649.

ClinVar aggregate classification (germline): Likely benign. Review status: criteria provided, single submitter (1 of 4 stars). 2 submissions from 2 submitters: Likely benign (1). 1 of the submissions does not count toward it. Last evaluated 2018-11-14.

Conditions:
BBS2-related disorder. Also called: BBS2-related disorders; BBS2-related condition. Identifiers: MedGen CN239228.

Submissions (2):

Labcorp Genetics (formerly Invitae), Labcorp
Classification: Likely benign. Last evaluated: 2018-11-14. Review status: criteria provided, single submitter. Criteria: Invitae Variant Classification Sherloc (09022015). Collection method: clinical testing. Allele origin: germline.

PreventionGenetics, part of Exact Sciences
Classification: Likely benign for BBS2-related condition. Last evaluated: 2019-02-21. Review status: no assertion criteria provided. Collection method: clinical testing. Allele origin: germline. Not counted in ClinVar's aggregate classification.
Comment: This variant is classified as likely benign based on ACMG/AMP sequence variant interpretation guidelines (Richards et al. 2015 PMID: 25741868, with internal and published modifications).